The following is an entry in ClinVar:

ClinVar aggregate classification (germline): Pathogenic (1 of 4 stars; one submission).

Conditions:
Ullrich congenital muscular dystrophy 2 (UCMD2). Identifiers: Orphanet 75840, MedGen C4225314, MONDO:0014654, OMIM 616470.

Submission:

Women's Health and Genetics/Laboratory Corporation of America, LabCorp
Classification: Pathogenic for Ullrich congenital muscular dystrophy 2. Last evaluated: 2026-06-01. Review status: criteria provided, single submitter. Criteria: LabCorp Variant Classification Summary - May 2015. Collection method: clinical testing. Allele origin: germline.
Comment: Variant summary: COL12A1 c.7503T>A (p.Cys2501X) results in a premature termination codon, predicted to cause a truncation of the encoded protein or absence of the protein due to nonsense mediated decay, which are commonly known mechanisms for disease. Loss-of-function variants in this gene are known to be pathogenic. The variant was absent in 248814 control chromosomes. To our knowledge, no occurrence of c.7503T>A in individuals affected with COL12A1-related conditions and no experimental evidence demonstrating its impact on protein function have been reported. No submitters have cited clinical-significance assessments for this variant to ClinVar. Based on the evidence outlined above, the variant was classified as pathogenic.

NM_004370.6(COL12A1):c.7503T>A (p.Cys2501Ter)

Gene: COL12A1 (collagen type XII alpha 1 chain; minus strand). Cytogenetic location: 6q13.
Variant type: single nucleotide variant.
Coding change: c.7503T>A on transcript NM_004370.6 (MANE Select); coding-DNA position 7503, T replaced by A.
Protein change: p.Cys2501Ter; replaces cysteine 2501 with a stop codon.
Molecular consequence: nonsense.
Genome position (GRCh38, 1-based): chr6:75,117,398, A>T on the plus strand (T>A on the coding strand, the complement: COL12A1 is on the minus strand). VCF-style: chr6-75117398-A-T. GRCh37 (hg19) VCF-style: chr6-75827114-A-T.
Other names: c.7503T>A, p.Cys2501Ter (NM_001424113.1); c.7482T>A, p.Cys2494Ter (NM_001424114.1); c.7230T>A, p.Cys2410Ter (NM_001424115.1); c.4011T>A, p.Cys1337Ter (NM_001424116.1, NM_080645.3); short protein forms C1337*, C2410*, C2494*, C2501*.
Identifiers: ClinVar variation 4887604 (VCV004887604.1).